The following is an entry in ClinVar:

NM_024105.4(ALG12):c.1264C>G (p.Pro422Ala)

Gene: ALG12 (ALG12 alpha-1,6-mannosyltransferase; minus strand). Cytogenetic location: 22q13.33.
Variant type: single nucleotide variant.
Coding change: c.1264C>G on transcript NM_024105.4 (MANE Select); coding-DNA position 1264, C replaced by G.
Protein change: p.Pro422Ala; replaces proline 422 with alanine.
Molecular consequence: missense variant.
Genome position (GRCh38, 1-based): chr22:49,904,041, G>C on the plus strand (C>G on the coding strand, the complement: ALG12 is on the minus strand). VCF-style: chr22-49904041-G-C. GRCh37 (hg19) VCF-style: chr22-50297689-G-C.
Other names: short protein forms P422A.
Identifiers: ClinVar variation 2416658 (VCV002416658.5), dbSNP rs2060529224, ClinGen allele CA412071787.
Genomic context (GRCh38, chr22:49,904,041, plus strand): 5'-CCAGGAGCCCAGGGGCCGCCTCCATGAGGATGTGTGTGTATGCCAGCATGCCTGTCCCCG[G>C]CTGCACATCCTCCCTCTTGTCGTACCTGTGGGATGAGAGCTGGTGGTCCTGCCCAGGGCC-3'
Protein context (NP_077010.1, residues 412-432): WRYDKREDVQ[Pro422Ala]GTGMLAYTHI

ClinVar aggregate classification (germline): Uncertain significance (1 of 4 stars; one submission).

Conditions:
ALG12-congenital disorder of glycosylation (CDG1G). Also called: Congenital disorder of glycosylation, type Ig; ALG12-CDG; CDG Ig. Identifiers: Orphanet 79324, MedGen C2931001, MONDO:0011783, OMIM 607143.

Submission:

Labcorp Genetics (formerly Invitae), Labcorp
Classification: Uncertain significance for ALG12-congenital disorder of glycosylation. Last evaluated: 2025-03-03. Review status: criteria provided, single submitter. Criteria: Invitae Variant Classification Sherloc (09022015). Collection method: clinical testing. Allele origin: germline.
Comment: This sequence change replaces proline, which is neutral and non-polar, with alanine, which is neutral and non-polar, at codon 422 of the ALG12 protein (p.Pro422Ala). This variant is not present in population databases (gnomAD no frequency). This variant has not been reported in the literature in individuals affected with ALG12-related conditions. ClinVar contains an entry for this variant (Variation ID: 2416658). An algorithm developed to predict the effect of missense changes on protein structure and function (PolyPhen-2) suggests that this variant is likely to be tolerated. In summary, the available evidence is currently insufficient to determine the role of this variant in disease. Therefore, it has been classified as a Variant of Uncertain Significance.